The following is an entry in ClinVar:

ClinVar aggregate classification (germline): Likely benign. Review status: criteria provided, multiple submitters, no conflicts (2 of 4 stars). 2 submissions from 2 submitters: Likely benign (2). Last evaluated 2024-11-20.

Allele frequency attached by ClinVar (database versions not stated): 1000 Genomes Project 30x 0.00016; 1000 Genomes Project 0.00020; ExAC 0.00061; ESP Exome Variant Server 0.00077.
gnomAD v4.1: 1,490 of 1,534,152 alleles (0.097%); highest among the groups gnomAD compares: Non-Finnish European, 0.12%; no homozygotes.

Submissions (2):

Blueprint Genetics
Classification: Likely benign. Last evaluated: 2024-11-20. Review status: criteria provided, single submitter. Criteria: ACMG Guidelines, 2015. Collection method: clinical testing. Allele origin: germline.

CeGaT Center for Human Genetics Tuebingen
Classification: Likely benign. Last evaluated: 2024-03-01. Review status: criteria provided, single submitter. Criteria: CeGaT Center For Human Genetics Tuebingen Variant Classification Criteria Version 2. Collection method: clinical testing. Allele origin: germline. Affected: yes. Observed: 2 variant alleles.
Comment: EBF3: BP4, BP7, BS1

NM_001375380.1(EBF3):c.639T>G (p.Val213=)

Gene: EBF3 (EBF transcription factor 3; minus strand). Cytogenetic location: 10q26.3.
Variant type: single nucleotide variant.
Coding change: c.639T>G on transcript NM_001375380.1 (MANE Select); coding-DNA position 639, T replaced by G.
Protein change: p.Val213=; no amino-acid change (valine 213 retained).
Molecular consequence: synonymous variant.
Genome position (GRCh38, 1-based): chr10:129,873,594, A>C on the plus strand (T>G on the coding strand, the complement: EBF3 is on the minus strand). VCF-style: chr10-129873594-A-C. GRCh37 (hg19) VCF-style: chr10-131671858-A-C.
Other names: c.639T>G, p.Val213= (NM_001005463.3, NM_001375379.1, NM_001375389.1 and 3 more transcripts).
Identifiers: ClinVar variation 2640975 (VCV002640975.25), dbSNP rs141973685, ClinGen allele CA5748658.